The following is an entry in ClinVar:

NM_006361.6(HOXB13):c.115G>T (p.Ala39Ser)

Gene: HOXB13 (homeobox B13; minus strand). Cytogenetic location: 17q21.32.
Variant type: single nucleotide variant.
Coding change: c.115G>T on transcript NM_006361.6 (MANE Select); coding-DNA position 115, G replaced by T.
Protein change: p.Ala39Ser; replaces alanine 39 with serine.
Molecular consequence: missense variant.
Genome position (GRCh38, 1-based): chr17:48,728,479, C>A on the plus strand (G>T on the coding strand, the complement: HOXB13 is on the minus strand). VCF-style: chr17-48728479-C-A. GRCh37 (hg19) VCF-style: chr17-46805841-C-A.
Other names: short protein forms A39S.
Identifiers: ClinVar variation 1060373 (VCV001060373.11), dbSNP rs760874697, ClinGen allele CA8634060.

ClinVar aggregate classification (germline): Uncertain significance. Review status: criteria provided, multiple submitters, no conflicts (2 of 4 stars). 3 submissions from 3 submitters: Uncertain significance (3). Last evaluated 2025-11-25.

Conditions:
Hereditary cancer-predisposing syndrome. Also called: Neoplastic Syndromes, Hereditary; Hereditary Cancer Syndrome; Hereditary neoplastic syndrome; Tumor predisposition. Identifiers: Orphanet 140162, MedGen C0027672, MeSH D009386, MONDO:0015356.

Allele frequency attached by ClinVar (database versions not stated): gnomAD exomes 0.00001; ExAC 0.00002.
gnomAD v4.1: 3 of 1,613,218 alleles (0.00019%); highest among the groups gnomAD compares: East Asian, 0.0045%; no homozygotes.

Submissions (3):

Labcorp Genetics (formerly Invitae), Labcorp
Classification: Uncertain significance. Last evaluated: 2025-11-25. Review status: criteria provided, single submitter. Criteria: Invitae Variant Classification Sherloc (09022015). Collection method: clinical testing. Allele origin: germline.
Comment: This sequence change replaces alanine, which is neutral and non-polar, with serine, which is neutral and polar, at codon 39 of the HOXB13 protein (p.Ala39Ser). This variant is present in population databases (rs760874697, gnomAD 0.01%). This variant has not been reported in the literature in individuals affected with HOXB13-related conditions. ClinVar contains an entry for this variant (Variation ID: 1060373). An algorithm developed to predict the effect of missense changes on protein structure and function (PolyPhen-2) suggests that this variant is likely to be tolerated. In summary, the available evidence is currently insufficient to determine the role of this variant in disease. Therefore, it has been classified as a Variant of Uncertain Significance.

Ambry Genetics
Classification: Uncertain significance for Hereditary cancer-predisposing syndrome. Last evaluated: 2025-08-21. Review status: criteria provided, single submitter. Criteria: Ambry Variant Classification Scheme 2023. Collection method: clinical testing. Allele origin: germline.
Comment: The p.A39S variant (also known as c.115G>T), located in coding exon 1 of the HOXB13 gene, results from a G to T substitution at nucleotide position 115. The alanine at codon 39 is replaced by serine, an amino acid with similar properties. This amino acid position is not well conserved in available vertebrate species. In addition, this alteration is predicted to be tolerated by in silico analysis. Since supporting evidence is limited at this time, the clinical significance of this alteration remains unclear.

GeneDx
Classification: Uncertain significance. Last evaluated: 2025-07-16. Review status: criteria provided, single submitter. Criteria: GeneDx Variant Classification Process June 2021. Collection method: clinical testing. Allele origin: germline. Affected: yes.
Comment: Not observed at significant frequency in large population cohorts (gnomAD); In silico analysis suggests that this missense variant does not alter protein structure/function; Has not been previously published as pathogenic or benign to our knowledge; This variant is associated with the following publications: (PMID: 36243179)